The following is an entry in ClinVar:

ClinVar aggregate classification (germline): Likely benign. Review status: criteria provided, multiple submitters, no conflicts (2 of 4 stars). 3 submissions from 3 submitters: Likely benign (2). 1 of the submissions does not count toward it. Last evaluated 2024-08-13.

Conditions:
Diffuse cerebral and cerebellar atrophy - intractable seizures - progressive microcephaly syndrome. Also called: Microcephaly, progressive, with seizures and cerebral and cerebellar atrophy. Identifiers: Orphanet 404437, MedGen C4014239, MONDO:0014335, OMIM 615760.
QARS1-related disorder. Also called: QARS1-related condition.

Allele frequency attached by ClinVar (database versions not stated): TOPMed 0.00002; gnomAD exomes 0.00002 and 0.00003; ESP Exome Variant Server 0.00008; ExAC 0.00002.

Submissions (3):

Labcorp Genetics (formerly Invitae), Labcorp
Classification: Likely benign for Diffuse cerebral and cerebellar atrophy - intractable seizures - progressive microcephaly syndrome. Last evaluated: 2024-08-13. Review status: criteria provided, single submitter. Criteria: Invitae Variant Classification Sherloc (09022015). Collection method: clinical testing. Allele origin: germline.

GeneDx
Classification: Likely benign. Last evaluated: 2020-10-05. Review status: criteria provided, single submitter. Criteria: GeneDx Variant Classification Process June 2021. Collection method: clinical testing. Allele origin: germline. Affected: yes.

PreventionGenetics, part of Exact Sciences
Classification: Likely benign for QARS1-related condition. Last evaluated: 2020-01-09. Review status: no assertion criteria provided. Collection method: clinical testing. Allele origin: germline. Not counted in ClinVar's aggregate classification.
Comment: This variant is classified as likely benign based on ACMG/AMP sequence variant interpretation guidelines (Richards et al. 2015 PMID: 25741868, with internal and published modifications).

NM_005051.3(QARS1):c.930G>A (p.Glu310=)

Gene: QARS1 (glutaminyl-tRNA synthetase 1; minus strand). Cytogenetic location: 3p21.31.
Variant type: single nucleotide variant.
Coding change: c.930G>A on transcript NM_005051.3 (MANE Select); coding-DNA position 930, G replaced by A.
Protein change: p.Glu310=; no amino-acid change (glutamic acid 310 retained).
Molecular consequence: synonymous variant. On other transcripts: non-coding transcript variant (1).
Genome position (GRCh38, 1-based): chr3:49,100,621, C>T on the plus strand (G>A on the coding strand, the complement: QARS1 is on the minus strand). VCF-style: chr3-49100621-C-T. GRCh37 (hg19) VCF-style: chr3-49138054-C-T.
Other names: c.897G>A, p.Glu299= (NM_001272073.2).
Identifiers: ClinVar variation 387533 (VCV000387533.11), dbSNP rs377081629, ClinGen allele CA2391943.